The following is an entry in ClinVar:

NM_139057.4(ADAMTS17):c.1951A>G (p.Arg651Gly)

Gene: ADAMTS17 (ADAM metallopeptidase with thrombospondin type 1 motif 17; minus strand). Cytogenetic location: 15q26.3.
Variant type: single nucleotide variant.
Coding change: c.1951A>G on transcript NM_139057.4 (MANE Select); coding-DNA position 1951, A replaced by G.
Protein change: p.Arg651Gly; replaces arginine 651 with glycine.
Molecular consequence: missense variant.
Genome position (GRCh38, 1-based): chr15:100,109,054, T>C on the plus strand (A>G on the coding strand, the complement: ADAMTS17 is on the minus strand). VCF-style: chr15-100109054-T-C. GRCh37 (hg19) VCF-style: chr15-100649259-T-C.
Other names: short protein forms R651G.
Identifiers: ClinVar variation 4777202 (VCV004777202.1).
Genomic context (GRCh38, chr15:100,109,054, plus strand): 5'-ACTTGCCGTGCACGCAGAGATCAGTCTCGTAGGGCCCGCAGGGTGTACCGTCCAGGACCC[T>C]GTCGGCCACCAGCAGTGGGGACTCCTTCCCGAGGGGCGAGCAGTAGAGTTCACATGGCTT-3'
Protein context (NP_620688.2, residues 641-661): GKESPLLVAD[Arg651Gly]VLDGTPCGPY

ClinVar aggregate classification (germline): Uncertain significance (1 of 4 stars; one submission).

Submission:

Labcorp Genetics (formerly Invitae), Labcorp
Classification: Uncertain significance. Last evaluated: 2025-08-07. Review status: criteria provided, single submitter. Criteria: Invitae Variant Classification Sherloc (09022015). Collection method: clinical testing. Allele origin: germline.
Comment: This sequence change replaces arginine, which is basic and polar, with glycine, which is neutral and non-polar, at codon 651 of the ADAMTS17 protein (p.Arg651Gly). This variant is not present in population databases (gnomAD no frequency). This variant has not been reported in the literature in individuals affected with ADAMTS17-related conditions. An algorithm developed to predict the effect of missense changes on protein structure and function (PolyPhen-2) suggests that this variant is likely to be tolerated. In summary, the available evidence is currently insufficient to determine the role of this variant in disease. Therefore, it has been classified as a Variant of Uncertain Significance.